The following is an entry in ClinVar:

NM_003630.3(PEX3):c.240A>C (p.Leu80Phe)

Gene: PEX3 (peroxisomal biogenesis factor 3; plus strand). Cytogenetic location: 6q24.2.
Variant type: single nucleotide variant.
Coding change: c.240A>C on transcript NM_003630.3 (MANE Select); coding-DNA position 240, A replaced by C.
Protein change: p.Leu80Phe; replaces leucine 80 with phenylalanine.
Molecular consequence: missense variant.
Genome position (GRCh38, 1-based): chr6:143,462,950, A>C. VCF-style: chr6-143462950-A-C. GRCh37 (hg19) VCF-style: chr6-143784087-A-C.
Other names: short protein forms L80F.
Identifiers: ClinVar variation 3691454 (VCV003691454.2).

ClinVar aggregate classification (germline): Uncertain significance (1 of 4 stars; one submission).

gnomAD v4.1: 3 of 1,613,862 alleles (0.00019%); highest among the groups gnomAD compares: Non-Finnish European, 0.00025%; no homozygotes.

Submission:

Labcorp Genetics (formerly Invitae), Labcorp
Classification: Uncertain significance. Last evaluated: 2024-02-17. Review status: criteria provided, single submitter. Criteria: Invitae Variant Classification Sherloc (09022015). Collection method: clinical testing. Allele origin: germline.
Comment: This sequence change replaces leucine, which is neutral and non-polar, with phenylalanine, which is neutral and non-polar, at codon 80 of the PEX3 protein (p.Leu80Phe). This variant is not present in population databases (gnomAD no frequency). This variant has not been reported in the literature in individuals affected with PEX3-related conditions. Advanced modeling of protein sequence and biophysical properties (such as structural, functional, and spatial information, amino acid conservation, physicochemical variation, residue mobility, and thermodynamic stability) performed at Invitae indicates that this missense variant is expected to disrupt PEX3 protein function with a positive predictive value of 80%. In summary, the available evidence is currently insufficient to determine the role of this variant in disease. Therefore, it has been classified as a Variant of Uncertain Significance.